The following is an entry in ClinVar:

ClinVar aggregate classification (germline): Likely benign. Review status: criteria provided, multiple submitters, no conflicts (2 of 4 stars). 4 submissions from 4 submitters: Likely benign (4). Last evaluated 2025-11-18.

Conditions:
Hypertrophic cardiomyopathy 26. Also called: Cardiomyopathy, familial hypertrophic, 26. Identifiers: Orphanet 75249, MedGen C4310749, MONDO:0014883, OMIM 617047.
Distal myopathy with posterior leg and anterior hand involvement. Also called: WILLIAMS DISTAL MYOPATHY. Identifiers: Orphanet 63273, MedGen C3279722, MONDO:0013550, OMIM 614065.
Myofibrillar myopathy 5. Also called: Filaminopathy (type); FILAMINOPATHY, AUTOSOMAL DOMINANT. Identifiers: Orphanet 171445, MedGen C1836050, MONDO:0012289, OMIM 609524.
Cardiovascular phenotype. Identifiers: MedGen CN230736.

Allele frequency attached by ClinVar (database versions not stated): ExAC 0.00001; gnomAD 0.00001 and 0.00002; gnomAD exomes 0.00001 and 0.00002; TOPMed 0.00002; 1000 Genomes Project 30x 0.00016; 1000 Genomes Project 0.00020.
gnomAD v4.1: 27 of 1,612,906 alleles (0.0017%); highest among the groups gnomAD compares: East Asian, 0.0089%; no homozygotes.

Submissions (4):

Labcorp Genetics (formerly Invitae), Labcorp
Classification: Likely benign for Distal myopathy with posterior leg and anterior hand involvement; Myofibrillar myopathy 5; Hypertrophic cardiomyopathy 26. Last evaluated: 2025-11-18. Review status: criteria provided, single submitter. Criteria: Invitae Variant Classification Sherloc (09022015). Collection method: clinical testing. Allele origin: germline.

Ambry Genetics
Classification: Likely benign for Cardiovascular phenotype. Last evaluated: 2025-02-13. Review status: criteria provided, single submitter. Criteria: Ambry Variant Classification Scheme 2023. Collection method: clinical testing. Allele origin: germline.

CeGaT Center for Human Genetics Tuebingen
Classification: Likely benign. Last evaluated: 2025-02-01. Review status: criteria provided, single submitter. Criteria: CeGaT Center For Human Genetics Tuebingen Variant Classification Criteria Version 2. Collection method: clinical testing. Allele origin: germline. Affected: yes. Observed: 2 variant alleles.
Comment: FLNC: BP4, BP7

Blueprint Genetics
Classification: Likely benign. Last evaluated: 2024-05-13. Review status: criteria provided, single submitter. Criteria: ACMG Guidelines, 2015. Collection method: clinical testing. Allele origin: germline.

NM_001458.5(FLNC):c.4035C>T (p.Thr1345=)

Gene: FLNC (filamin C; plus strand). Cytogenetic location: 7q32.1.
Variant type: single nucleotide variant.
Coding change: c.4035C>T on transcript NM_001458.5 (MANE Select); coding-DNA position 4035, C replaced by T.
Protein change: p.Thr1345=; no amino-acid change (threonine 1345 retained).
Molecular consequence: synonymous variant.
Genome position (GRCh38, 1-based): chr7:128,846,371, C>T. VCF-style: chr7-128846371-C-T. GRCh37 (hg19) VCF-style: chr7-128486425-C-T.
Other names: c.4035C>T, p.Thr1345= (NM_001127487.2); c.4035C>T (NM_001458.4).
Identifiers: ClinVar variation 810191 (VCV000810191.45), dbSNP rs538733304, ClinGen allele CA4475225.